The following is an entry in ClinVar:

NM_000193.4(SHH):c.952G>A (p.Val318Met)

Gene: SHH (sonic hedgehog signaling molecule; minus strand). Cytogenetic location: 7q36.3.
Variant type: single nucleotide variant.
Coding change: c.952G>A on transcript NM_000193.4 (MANE Select); coding-DNA position 952, G replaced by A.
Protein change: p.Val318Met; replaces valine 318 with methionine.
Molecular consequence: missense variant. On other transcripts: intron variant (1).
Genome position (GRCh38, 1-based): chr7:155,803,337, C>T on the plus strand (G>A on the coding strand, the complement: SHH is on the minus strand). VCF-style: chr7-155803337-C-T. GRCh37 (hg19) VCF-style: chr7-155596031-C-T.
Other names: c.301+2959G>A (NM_001310462.2); short protein forms V318M.
Identifiers: ClinVar variation 2786372 (VCV002786372.3), dbSNP rs2535893179, ClinGen allele CA370145561.

ClinVar aggregate classification (germline): Uncertain significance (1 of 4 stars; one submission).

Conditions:
Holoprosencephaly 3 (HPE3). Identifiers: Orphanet 2162, MedGen C1840529, MONDO:0007733, OMIM 142945.

Submission:

Labcorp Genetics (formerly Invitae), Labcorp
Classification: Uncertain significance for Holoprosencephaly 3. Last evaluated: 2023-12-12. Review status: criteria provided, single submitter. Criteria: Invitae Variant Classification Sherloc (09022015). Collection method: clinical testing. Allele origin: germline.
Comment: This sequence change replaces valine, which is neutral and non-polar, with methionine, which is neutral and non-polar, at codon 318 of the SHH protein (p.Val318Met). This variant is not present in population databases (gnomAD no frequency). This variant has not been reported in the literature in individuals affected with SHH-related conditions. Advanced modeling of protein sequence and biophysical properties (such as structural, functional, and spatial information, amino acid conservation, physicochemical variation, residue mobility, and thermodynamic stability) performed at Invitae indicates that this missense variant is not expected to disrupt SHH protein function with a negative predictive value of 80%. In summary, the available evidence is currently insufficient to determine the role of this variant in disease. Therefore, it has been classified as a Variant of Uncertain Significance.